The following is an entry in ClinVar:

ClinVar aggregate classification (germline): Uncertain significance (1 of 4 stars; one submission).

Submission:

GeneDx
Classification: Uncertain significance. Last evaluated: 2026-03-25. Review status: criteria provided, single submitter. Criteria: GeneDx Variant Classification Process June 2021. Collection method: clinical testing. Allele origin: germline.
Comment: Not observed at significant frequency in large population cohorts (gnomAD); In silico analysis supports that this missense variant has a deleterious effect on protein structure/function; Has not been previously published as pathogenic or benign to our knowledge

NM_001356.5(DDX3X):c.1982G>A (p.Gly661Asp)

Gene: DDX3X (DEAD-box helicase 3 X-linked; plus strand). Cytogenetic location: Xp11.4.
Variant type: single nucleotide variant.
Coding change: c.1982G>A on transcript NM_001356.5 (MANE Select); coding-DNA position 1982, G replaced by A.
Protein change: p.Gly661Asp; replaces glycine 661 with aspartic acid.
Molecular consequence: missense variant. On other transcripts: non-coding transcript variant (1).
Genome position (GRCh38, 1-based): chrX:41,347,712, G>A. VCF-style: chrX-41347712-G-A. GRCh37 (hg19) VCF-style: chrX-41206965-G-A.
Other names: c.1979G>A, p.Gly660Asp (NM_001193416.3); c.1934G>A, p.Gly645Asp (NM_001193417.3); c.1421G>A, p.Gly474Asp (NM_001363819.1); short protein forms G474D, G645D, G660D, G661D.
Identifiers: ClinVar variation 5017242 (VCV005017242.1).